The following is an entry in ClinVar:

ClinVar aggregate classification (germline): Likely benign. Review status: criteria provided, single submitter (1 of 4 stars). 2 submissions from 2 submitters: Likely benign (1). 1 of the submissions does not count toward it. Last evaluated 2024-10-16.

Conditions:
ITGA2-related disorder. Also called: ITGA2-related condition.

Allele frequency attached by ClinVar (database versions not stated): TOPMed 0.00009; ExAC 0.00014; ESP Exome Variant Server 0.00015; gnomAD 0.00017; gnomAD exomes 0.00022.
gnomAD v4.1: 333 of 1,611,840 alleles (0.021%); highest among the groups gnomAD compares: Non-Finnish European, 0.019%; no homozygotes.

Submissions (2):

Blueprint Genetics
Classification: Likely benign. Last evaluated: 2024-10-16. Review status: criteria provided, single submitter. Criteria: ACMG Guidelines, 2015. Collection method: clinical testing. Allele origin: germline.

PreventionGenetics, part of Exact Sciences
Classification: Likely benign for ITGA2-related condition. Last evaluated: 2021-03-23. Review status: no assertion criteria provided. Collection method: clinical testing. Allele origin: germline. Not counted in ClinVar's aggregate classification.
Comment: This variant is classified as likely benign based on ACMG/AMP sequence variant interpretation guidelines (Richards et al. 2015 PMID: 25741868, with internal and published modifications).

NM_002203.4(ITGA2):c.1845C>T (p.Leu615=)

Gene: ITGA2 (integrin subunit alpha 2; plus strand). Cytogenetic location: 5q11.2.
Variant type: single nucleotide variant.
Coding change: c.1845C>T on transcript NM_002203.4 (MANE Select); coding-DNA position 1845, C replaced by T.
Protein change: p.Leu615=; no amino-acid change (leucine 615 retained).
Molecular consequence: synonymous variant. On other transcripts: non-coding transcript variant (5).
Genome position (GRCh38, 1-based): chr5:53,065,879, C>T. VCF-style: chr5-53065879-C-T. GRCh37 (hg19) VCF-style: chr5-52361709-C-T.
Identifiers: ClinVar variation 3045354 (VCV003045354.3), dbSNP rs139738925, ClinGen allele CA3263019.